The following is an entry in ClinVar:

ClinVar aggregate classification (germline): Pathogenic. Review status: criteria provided, multiple submitters, no conflicts (2 of 4 stars). 19 submissions from 19 submitters: Pathogenic (13). 6 of the submissions do not count toward it. Last evaluated 2026-01-23.

Conditions:
BRCA1-related disorder. Also called: BRCA1-related condition.
Hereditary cancer-predisposing syndrome. Also called: Hereditary Cancer Syndrome; Hereditary neoplastic syndrome; Neoplastic Syndromes, Hereditary; Tumor predisposition. Identifiers: Orphanet 140162, MedGen C0027672, MeSH D009386, MONDO:0015356.
Ovarian neoplasm. Also called: Ovarian Neoplasms; Neoplasm of ovary; Ovarian tumor. Identifiers: MedGen C0919267, MeSH D010051, MONDO:0021068, HP:0100615.
Breast-ovarian cancer, familial, susceptibility to, 1 (BROVCA1). Also called: BRCA1 Hereditary Breast and Ovarian Cancer; OVARIAN CANCER, SUSCEPTIBILITY TO. Identifiers: Orphanet 145, MedGen C2676676, MONDO:0011450, OMIM 604370. Disease mechanism: loss of function.
Familial cancer of breast. Also called: hereditary breast carcinoma; BREAST CANCER, FAMILIAL; Hereditary breast cancer. Identifiers: Orphanet 227535, MedGen C0346153, MONDO:0016419, OMIM 114480. Disease mechanism: loss of function.
Fanconi anemia, complementation group S (FANCS). Identifiers: MedGen C4554406, MONDO:0054748, OMIM 617883.
Pancreatic cancer, susceptibility to, 4. Identifiers: Orphanet 1333, MedGen C3280442, MONDO:0013685, OMIM 614320.
Hereditary breast ovarian cancer syndrome. Also called: BRCA1- and BRCA2-Associated Hereditary Breast and Ovarian Cancer; Hereditary breast and ovarian cancer syndrome; Hereditary breast and ovarian cancer syndrome (HBOC); Breast and ovarian cancer; Hereditary breast and/or ovarian cancer syndrome; Hereditary breast and ovarian cancer. Identifiers: Orphanet 145, MedGen C0677776, MeSH D061325, MONDO:0003582. Disease mechanism: loss of function.

Allele frequency attached by ClinVar (database versions not stated): gnomAD exomes below 0.00001; ESP Exome Variant Server 0.00008.

Submissions 1 to 7 of 19:

Clinical Genomics Laboratory, Washington University in St. Louis
Classification: Pathogenic for Breast-ovarian cancer, familial, susceptibility to, 1. Last evaluated: 2026-01-23. Review status: criteria provided, single submitter. Criteria: ACMG Guidelines, 2015. Collection method: clinical testing. Allele origin: germline. Affected: yes.
Comment: The BRCA1 c.5153-2del, also known as 5272-2delA or IVS18-2delA, has been reported in over eight individuals affected with breast cancer (Kang E et al., PMID: 25863477; Kiechle M et al., PMID: 11102986; Pern F et al., PMID: 23110154) and in individuals with ovarian cancer (Kiechle M et al., PMID: 11102986; Lilyquist J et al., PMID: 28888541). Functional studies show this variant causes the out-of-frame skipping of exon 18, resulting in premature truncation (Perrin-Vidoz L et al., PMID: 12393792; Wappenschmidt B et al., PMID: 23239986). This variant is absent from the general population (gnomAD v2.1.1), indicating it is not a common variant. This variant has been reported in the ClinVar database as a germline pathogenic variant by 11 submitters. Other variants at the same canonical site (c.5153-1G>T, c.5153-1G>C; c.5153-1G>A), have been reported and classified as pathogenic by expert panels (ClinVar Variation IDs: 55430. 37643, 55429). Based on available information and the ENIGMA BRCA1 and BRCA2 Expert Panel Specifications for BRCA1 variant classification (Parsons MT et al., PMID: 39142283), this variant is classified as pathogenic.

Labcorp Genetics (formerly Invitae), Labcorp
Classification: Pathogenic for Hereditary breast ovarian cancer syndrome. Last evaluated: 2025-12-08. Review status: criteria provided, single submitter. Criteria: Invitae Variant Classification Sherloc (09022015). Collection method: clinical testing. Allele origin: germline.
Comment: This sequence change affects a splice site in intron 17 of the BRCA1 gene. RNA analysis indicates that disruption of this splice site induces altered splicing and may result in an absent or altered protein product. This variant is not present in population databases (gnomAD no frequency). Disruption of this splice site has been observed in individual(s) with a personal and/or family history of breast and ovarian cancer (PMID: 11102986, 12393792, 16528604, 23110154, 23239986, 25863477, 28888541). This variant is also known as 5272-2delA and IVS18-2delA. ClinVar contains an entry for this variant (Variation ID: 55431). Studies have shown that disruption of this splice site alters mRNA splicing and is expected to lead to the loss of protein expression (PMID: 12393792, 23239986, 24667779; internal data). For these reasons, this variant has been classified as Pathogenic.

Helix
Classification: Pathogenic for Breast-ovarian cancer, familial, susceptibility to, 1. Last evaluated: 2025-10-08. Review status: criteria provided, single submitter. Criteria: ACMG Guidelines, 2015. Collection method: clinical testing. Allele origin: germline. Inheritance: Autosomal dominant inheritance.
Comment: This variant (NM_007294.4:c.5153-2del p.?) affects a canonical acceptor splice site in the BRCA1 gene. It is expected to result in aberrant RNA splicing and the production of an abnormal or absent protein leading to loss-of-function (LOF). LOF variants in this gene are known to be deleterious (PMID: 20104584, 20301575). It is present in the gnomAD population database (v4.1) at the highest allele frequency in the European (non-Finnish) subpopulation among non-founder subpopulations (1/1177652 alleles, 0.000085%). This variant has been reported in individual(s) with a personal and/or family history of BRCA1-related conditions; in at least one family, the variant segregated with disease (PMID: 11102986, 12393792, 14760071, 16528604, 23110154, 23239986, 25863477). RNA studies have demonstrated this variant disrupts splicing (PMID: 12393792, 23110154, 23239986). In silico prediction from SpliceAI (PMID: 30661751) suggests this variant may have an impact on splicing. This variant is present in ClinVar (Accession: VCV000055431.37). In conclusion, this variant has been classified as Pathogenic.

Ambry Genetics
Classification: Pathogenic for Hereditary cancer-predisposing syndrome. Last evaluated: 2025-03-23. Review status: criteria provided, single submitter. Criteria: Ambry Variant Classification Scheme 2023. Collection method: clinical testing. Allele origin: germline.
Comment: The c.5153-2delA intronic pathogenic mutation results from the deletion of one nucleotide at position c.5153-2 and involves the canonical splice acceptor site before coding exon 17 in the BRCA1 gene. This mutation has been reported in multiple families of various ethnicities affected with breast and/or ovarian cancer (Kiechle et al. Hum Mutat. 2000 Dec;16(6):529-30; Sinilnikova OM et al. Fam Cancer. 2006;5(1):15-20; Kang E et al. Breast Cancer REs Treat. 2015 May;151(1):157-68; Rebbeck TR et al. Hum Mutat. 2018 05;39(5):593-620). Other studies have shown that this mutation leads to exon skipping resulting in a premature termination codon (Pern et al. PLoS One. 2012;7(10):e47993; Wappenschmidt et al. PLoS One. 2012;7(12):e50800; Perrin-Vidoz L et al. Hum Mol GEnet. 2002 Nov;11(23):2805-14). This variant is considered to be rare based on population cohorts in the Genome Aggregation Database (gnomAD). Of note, this mutation is also designated as IVS18-2delA and 5272-2delA in published literature. In addition to the clinical data presented in the literature, alterations that disrupt the canonical splice site are expected to cause aberrant splicing, resulting in an abnormal protein or a transcript that is subject to nonsense-mediated mRNA decay. As such, this alteration is interpreted as a disease-causing mutation.

Department of Human Genetics, Hannover Medical School
Classification: Pathogenic for Breast-ovarian cancer, familial, susceptibility to, 1. Last evaluated: 2024-09-16. Review status: criteria provided, single submitter. Criteria: ACMG Guidelines, 2015. Collection method: clinical testing. Allele origin: germline. Inheritance: Autosomal dominant inheritance. Affected: yes.

Color Diagnostics, LLC DBA Color Health
Classification: Pathogenic for Hereditary cancer-predisposing syndrome. Last evaluated: 2024-01-29. Review status: criteria provided, single submitter. Criteria: ACMG Guidelines, 2015. Collection method: clinical testing. Allele origin: germline.
Comment: This variant deletes 1 nucleotide in intron 17 of the BRCA1 gene, disrupting the intron 17 splice acceptor site. This variant is also known as 5272-2delA in the literature. RNA studies have reported that this variant causes the out-of-frame skipping of exon 18, resulting in premature truncation (PMID: 12393792, 23110154). This variant has been reported in at least three individuals affected with breast cancer (PMID: 14760071, 23110154, 25863477, 33471991; Leiden Open Variation Database DB-ID BRCA1_004687), an individual affected with ovarian cancer (PMID: 33273034) and additional families suspected of hereditary breast and ovarian cancer (PMID: 23239986). This variant has not been identified in the general population by the Genome Aggregation Database (gnomAD). Loss of BRCA1 function is a known mechanism of disease. Based on the available evidence, this variant is classified as Pathogenic.

Baylor Genetics
Classification: Pathogenic for Breast-ovarian cancer, familial, susceptibility to, 1. Last evaluated: 2023-04-13. Review status: criteria provided, single submitter. Criteria: ACMG Guidelines, 2015. Collection method: clinical testing. Allele origin: unknown.

NM_007294.4(BRCA1):c.5153-2del

Gene: BRCA1 (BRCA1 DNA repair associated; minus strand). Cytogenetic location: 17q21.31.
Variant type: Deletion.
Coding change: c.5153-2del on transcript NM_007294.4 (MANE Select); the canonical splice acceptor site of the intron before coding-DNA position 5153, one base deleted (A; older notation c.5153-2delA).
Molecular consequence: splice acceptor variant.
Genome position (GRCh38, 1-based): chr17:43,063,375, T deleted on the plus strand (A on the coding strand, the reverse complement: BRCA1 is on the minus strand). VCF-style (leftmost placement, unchanged base first): chr17-43063374-CT-C. GRCh37 (hg19) VCF-style: chr17-41215391-CT-C.
Other names: IVS18-2delA; c.5153-2delA (NM_007294.3); c.4943-2del (NM_001407879.1, NM_001407882.1, NM_001407885.1 and 5 more transcripts); c.1715-2del (NM_001408450.1, NM_001408447.1, NM_001408446.1 and 2 more transcripts); c.1718-2del (NM_001408434.1, NM_001408440.1, NM_001408433.1 and 10 more transcripts); c.5027-2del (NM_001407672.1, NM_001407678.1, NM_001407673.1 and 10 more transcripts); c.1838-2del (NM_001408398.1, NM_001408400.1, NM_001408392.1 and 8 more transcripts); c.1841-2del (NM_001407992.1, NM_001407981.1, NM_007298.4 and 12 more transcripts); and 74 more.
Identifiers: ClinVar variation 55431 (VCV000055431.40), dbSNP rs273901746, ClinGen allele CA003301.